The following is an entry in ClinVar:

ClinVar aggregate classification (germline): Benign/Likely benign. Review status: criteria provided, multiple submitters, no conflicts (2 of 4 stars). 3 submissions from 3 submitters: Benign (1); Likely benign (2). Last evaluated 2026-06-05.

Conditions:
Gastrointestinal stromal tumor. Also called: Gastrointestinal stroma tumor; Gastrointestinal stromal tumor, somatic. Identifiers: Orphanet 44890, MedGen C0238198, MeSH D046152, MONDO:0011719, OMIM 606764, HP:0100723.

Allele frequency attached by ClinVar (database versions not stated): gnomAD 0.00004; gnomAD exomes 0.00004; TOPMed 0.00005; ExAC 0.00006.
gnomAD v4.1: 56 of 1,613,872 alleles (0.0035%); highest among the groups gnomAD compares: Middle Eastern, 0.082%; no homozygotes.

Submissions (3):

Myriad Genetics, Inc.
Classification: Benign for Gastrointestinal stromal tumor. Last evaluated: 2026-06-05. Review status: criteria provided, single submitter. Criteria: Myriad Autosomal Dominant, Autosomal Recessive and X-Linked Classification Criteria (2023). Collection method: clinical testing. Allele origin: unknown.
Comment: This variant is considered benign. This variant is intronic and is not expected to impact mRNA splicing. This variant has been observed at a population frequency that is significantly greater than expected given the associated disease prevalence and penetrance.

Labcorp Genetics (formerly Invitae), Labcorp
Classification: Likely benign for Gastrointestinal stromal tumor. Last evaluated: 2026-02-03. Review status: criteria provided, single submitter. Criteria: Invitae Variant Classification Sherloc (09022015). Collection method: clinical testing. Allele origin: germline.

Blueprint Genetics
Classification: Likely benign. Last evaluated: 2023-10-24. Review status: criteria provided, single submitter. Criteria: ACMG Guidelines, 2015. Collection method: clinical testing. Allele origin: germline.

NM_000222.3(KIT):c.2803-19A>G

Gene: KIT (KIT proto-oncogene, receptor tyrosine kinase; plus strand). Cytogenetic location: 4q12.
Variant type: single nucleotide variant.
Coding change: c.2803-19A>G on transcript NM_000222.3 (MANE Select); 19 bases into the intron before coding-DNA position 2803, A replaced by G.
Molecular consequence: intron variant.
Genome position (GRCh38, 1-based): chr4:54,738,410, A>G. VCF-style: chr4-54738410-A-G. GRCh37 (hg19) VCF-style: chr4-55604576-A-G.
Other names: c.2806-19A>G (NM_001385284.1); c.2803-19A>G (NM_001385290.1); c.2794-19A>G (NM_001385288.1); c.2791-19A>G (NM_001385292.1, NM_001093772.2); c.2800-19A>G (NM_001385285.1); c.2788-19A>G (NM_001385286.1).
Identifiers: ClinVar variation 1572667 (VCV001572667.10), dbSNP rs200447603, ClinGen allele CA2923874.